The following is an entry in ClinVar:

ClinVar aggregate classification (germline): Uncertain significance (1 of 4 stars; one submission).

Submission:

Ambry Genetics
Classification: Uncertain significance. Last evaluated: 2026-08-18. Review status: criteria provided, single submitter. Criteria: Ambry Variant Classification Scheme 2023. Collection method: clinical testing. Allele origin: germline.
Comment: The p.S528G variant (also known as c.1582A>G), located in coding exon 13 of the GEN1 gene, results from an A to G substitution at nucleotide position 1582. The serine at codon 528 is replaced by glycine, an amino acid with similar properties. This amino acid position is conserved. In addition, this alteration is predicted to be tolerated by in silico analysis. Based on the available evidence, the clinical significance of this variant remains unclear.

NM_001130009.3(GEN1):c.1582A>G (p.Ser528Gly)

Gene: GEN1 (GEN1 structure-specific endonuclease; plus strand). Cytogenetic location: 2p24.2.
Variant type: single nucleotide variant.
Coding change: c.1582A>G on transcript NM_001130009.3 (MANE Select); coding-DNA position 1582, A replaced by G.
Protein change: p.Ser528Gly; replaces serine 528 with glycine.
Molecular consequence: missense variant.
Genome position (GRCh38, 1-based): chr2:17,780,794, A>G. VCF-style: chr2-17780794-A-G. GRCh37 (hg19) VCF-style: chr2-17962061-A-G.
Other names: c.1582A>G, p.Ser528Gly (NM_182625.5); short protein forms S528G.
Identifiers: ClinVar variation 5022338 (VCV005022338.1).
Genomic context (GRCh38, chr2:17,780,794, plus strand): 5'-AATTCGGGGATTTCCCCTGATCCTACATTACCACAGGAATCTATTTCTGCCTCATTGAAT[A>G]GCTTGCTTTTACCTAAAAATACTCCATGTTTGAATGCACAAGAACAGTTCATGTCTTCTC-3'
Protein context (NP_001123481.3, residues 518-538): PQESISASLN[Ser528Gly]LLLPKNTPCL